The following is an entry in ClinVar:

ClinVar aggregate classification (germline): Uncertain significance (1 of 4 stars; one submission).

Conditions:
Nemaline myopathy 6 (NEM6). Also called: Nemaline myopathy 6, autosomal dominant. Identifiers: Orphanet 171439, MedGen C1836472, MONDO:0012237, OMIM 609273.

Allele frequency attached by ClinVar (database versions not stated): gnomAD exomes 0.00001; ExAC 0.00007.

Submission:

Labcorp Genetics (formerly Invitae), Labcorp
Classification: Uncertain significance for Nemaline myopathy 6. Last evaluated: 2022-07-06. Review status: criteria provided, single submitter. Criteria: Invitae Variant Classification Sherloc (09022015). Collection method: clinical testing. Allele origin: germline.
Comment: In summary, the available evidence is currently insufficient to determine the role of this variant in disease. Therefore, it has been classified as a Variant of Uncertain Significance. Algorithms developed to predict the effect of missense changes on protein structure and function output the following: SIFT: "Tolerated"; PolyPhen-2: "Benign"; Align-GVGD: "Class C0". The glutamic acid amino acid residue is found in multiple mammalian species, which suggests that this missense change does not adversely affect protein function. ClinVar contains an entry for this variant (Variation ID: 1382341). This variant has not been reported in the literature in individuals affected with KBTBD13-related conditions. This variant is present in population databases (rs752840796, gnomAD 0.004%). This sequence change replaces glutamine, which is neutral and polar, with glutamic acid, which is acidic and polar, at codon 6 of the KBTBD13 protein (p.Gln6Glu).

NM_001101362.3(KBTBD13):c.16C>G (p.Gln6Glu)

Gene: KBTBD13 (kelch repeat and BTB domain containing 13; plus strand). Cytogenetic location: 15q22.31.
Variant type: single nucleotide variant.
Coding change: c.16C>G on transcript NM_001101362.3 (MANE Select); coding-DNA position 16, C replaced by G.
Protein change: p.Gln6Glu; replaces glutamine 6 with glutamic acid.
Molecular consequence: missense variant.
Genome position (GRCh38, 1-based): chr15:65,076,831, C>G. VCF-style: chr15-65076831-C-G. GRCh37 (hg19) VCF-style: chr15-65369169-C-G.
Other names: short protein forms Q6E.
Identifiers: ClinVar variation 1382341 (VCV001382341.8), dbSNP rs752840796, ClinGen allele CA7613837.